The following is an entry in ClinVar:

ClinVar aggregate classification (germline): Uncertain significance. Review status: criteria provided, multiple submitters, no conflicts (2 of 4 stars). 5 submissions from 5 submitters: Uncertain significance (4). 1 of the submissions does not count toward it. Last evaluated 2026-09-21.

Conditions:
Inborn genetic diseases. Identifiers: MedGen C0950123, MeSH D030342.
Charcot-Marie-Tooth disease. Also called: Charcot-Marie-Tooth Neuropathy; Charcot-Marie-Tooth Hereditary Neuropathy. Identifiers: Orphanet 166, MedGen C0007959, MONDO:0015626.
PMP22-related disorder. Also called: PMP22-related condition; PMP22-related disorders.
Charcot-Marie-Tooth disease, type I (CMT1). Also called: Charcot-Marie-Tooth disease type 1; Charcot-Marie-Tooth, Type 1. Identifiers: Orphanet 65753, MedGen C0751036, MONDO:0019011.

Allele frequency attached by ClinVar (database versions not stated): ExAC 0.00001; gnomAD exomes 0.00001; TOPMed 0.00001.
gnomAD v4.1: 22 of 1,613,992 alleles (0.0014%); highest among the groups gnomAD compares: Middle Eastern, 0.017%; no homozygotes.

Submissions (5):

PreventionGenetics, part of Exact Sciences
Classification: Uncertain significance for PMP22-related condition. Last evaluated: 2026-09-21. Review status: criteria provided, single submitter. Criteria: ACMG Guidelines, 2015. Collection method: clinical testing. Allele origin: germline.
Comment: The PMP22 c.475C>T variant is predicted to result in the amino acid substitution p.Arg159Cys. This variant has been reported in two family members with features of a mild axonal neuropathy (Gess et al. 2011. PubMed ID: 21337347). This variant has also been reported in a patient with features of Charcot-Marie-Tooth disease; however, the patient had a likely causative de novo MFN2 variant and the c.475C>T variant was inherited from an asymptomatic mother (Ando et al. 2017. PubMed ID: 28660751). It is not clear if the PMP22 c.475C>T variant contributed to the earlier onset presentation in this patient. This variant is reported in 0.0062% of alleles in individuals of African descent in gnomAD. At this time, the clinical significance of this variant is uncertain due to the absence of conclusive functional and genetic evidence.

Labcorp Genetics (formerly Invitae), Labcorp
Classification: Uncertain significance for Charcot-Marie-Tooth disease, type I. Last evaluated: 2024-09-29. Review status: criteria provided, single submitter. Criteria: Invitae Variant Classification Sherloc (09022015). Collection method: clinical testing. Allele origin: germline.
Comment: This sequence change replaces arginine, which is basic and polar, with cysteine, which is neutral and slightly polar, at codon 159 of the PMP22 protein (p.Arg159Cys). This variant is present in population databases (rs749165928, gnomAD 0.007%). This missense change has been observed in individual(s) with clinical features of PMP22-related conditions (PMID: 21337347). ClinVar contains an entry for this variant (Variation ID: 637831). Invitae Evidence Modeling of protein sequence and biophysical properties (such as structural, functional, and spatial information, amino acid conservation, physicochemical variation, residue mobility, and thermodynamic stability) indicates that this missense variant is expected to disrupt PMP22 protein function with a positive predictive value of 95%. In summary, the available evidence is currently insufficient to determine the role of this variant in disease. Therefore, it has been classified as a Variant of Uncertain Significance.

Dasa
Classification: Uncertain significance. Last evaluated: 2024-08-20. Review status: criteria provided, single submitter. Criteria: DASA Assertion Criteria. Collection method: clinical testing. Allele origin: germline.
Comment: NM_000304.4(PMP22):c.475C>T (p.Arg159Cys) is a missense variant that results in the substitution of arginine with cysteine. This variant is rare in population databases. Computational prediction algorithms are consistent with a deleterious effect. The currently available literature and clinical evidence are not sufficient to establish a definitive association between this variant and the reported condition. Therefore, this variant is classified as a variant of uncertain significance.

Ambry Genetics
Classification: Uncertain significance for Inborn genetic diseases. Last evaluated: 2021-03-23. Review status: criteria provided, single submitter. Criteria: Ambry Variant Classification Scheme 2023. Collection method: clinical testing. Allele origin: germline.
Comment: The p.R159C variant (also known as c.475C>T), located in coding exon 4 of the PMP22 gene, results from a C to T substitution at nucleotide position 475. The arginine at codon 159 is replaced by cysteine, an amino acid with highly dissimilar properties. This variant was detected in two related individuals with adult-onset axonal neuropathy and other variable neuropathic symptoms (Gess B et al. Muscle Nerve, 2011 Apr;43:605-9). This variant was also detected in a child with Charcot-Marie-Tooth disease which had an onset in infancy; this child also had a variant in MFN2, another neuropathy-associated gene (Ando M et al. J Peripher Nerv Syst, 2017 09;22:191-199). This amino acid position is highly conserved in available vertebrate species. In addition, this alteration is predicted to be deleterious by in silico analysis. Since supporting evidence is limited at this time, the clinical significance of this alteration remains unclear.

Inherited Neuropathy Consortium
Classification: Uncertain significance for Charcot-Marie-Tooth disease. Review status: no assertion criteria provided. Collection method: literature only. Allele origin: germline. Affected: yes. Not counted in ClinVar's aggregate classification.

Literature cited by the submitters: PubMed 21337347 (cited by 3 submitters); PubMed 28660751 (cited by Ambry Genetics).

NM_000304.4(PMP22):c.475C>T (p.Arg159Cys)

Gene: PMP22 (peripheral myelin protein 22; minus strand). Cytogenetic location: 17p12.
Variant type: single nucleotide variant.
Coding change: c.475C>T on transcript NM_000304.4 (MANE Select); coding-DNA position 475, C replaced by T.
Protein change: p.Arg159Cys; replaces arginine 159 with cysteine.
Molecular consequence: missense variant. On other transcripts: non-coding transcript variant (2).
Genome position (GRCh38, 1-based): chr17:15,230,925, G>A on the plus strand (C>T on the coding strand, the complement: PMP22 is on the minus strand). VCF-style: chr17-15230925-G-A. GRCh37 (hg19) VCF-style: chr17-15134242-G-A.
Other names: c.475C>T, p.Arg159Cys (NM_001281455.2, NM_001281456.2, NM_153321.3 and 1 more transcripts); short protein forms R159C.
Identifiers: ClinVar variation 637831 (VCV000637831.10), dbSNP rs749165928, ClinGen allele CA8403293.